The following is an entry in ClinVar:

ClinVar aggregate classification (germline): Likely pathogenic. Review status: criteria provided, multiple submitters, no conflicts (2 of 4 stars). 5 submissions from 5 submitters: Likely pathogenic (5). Last evaluated 2025-10-22.

Conditions:
Niemann-Pick disease, type A. Also called: Infantile Neurovisceral ASMD (Niemann-Pick Disease Type A; NPD-A); SPHINGOMYELIN LIPIDOSIS; SPHINGOMYELINASE DEFICIENCY. Identifiers: Orphanet 77292, MedGen C0268242, MONDO:0009756, OMIM 257200. Disease mechanism: loss of function.
Niemann-Pick disease, type B. Also called: Chronic Visceral ASMD (Niemann-Pick Disease Type B; NPD-B). Identifiers: Orphanet 77293, MedGen C0268243, MONDO:0011871, OMIM 607616. Disease mechanism: loss of function.

Submissions (5):

Natera, Inc.
Classification: Likely pathogenic for Niemann-Pick Disease, Types A/B. Last evaluated: 2025-10-22. Review status: criteria provided, single submitter. Criteria: Natera Variant Classification Schema (03/2026). Collection method: clinical testing. Allele origin: germline.
Comment: The c.1341-21_1341-18delAATG variant in SMPD1 is a deletion variant affecting an intronic region. This variant is rare in the general population with a frequency below the threshold expected for the associated phenotype(s). This variant has been observed in one or more individuals affected with the associated recessive disease, as either homozygous or compound heterozygous with a second variant (PMID: 24718843, 33675270, 36687457, 38826802). Given the available evidence, this variant is classified as Likely Pathogenic.

Revvity Omics, Revvity
Classification: Likely pathogenic. Last evaluated: 2024-03-28. Review status: criteria provided, single submitter. Criteria: ACMG Guidelines, 2015. Collection method: clinical testing. Allele origin: germline.

Labcorp Genetics (formerly Invitae), Labcorp
Classification: Likely pathogenic for Niemann-Pick disease, type B; Niemann-Pick disease, type A. Last evaluated: 2023-06-25. Review status: criteria provided, single submitter. Criteria: Invitae Variant Classification Sherloc (09022015). Collection method: clinical testing. Allele origin: germline.
Comment: In summary, the currently available evidence indicates that the variant is pathogenic, but additional data are needed to prove that conclusively. Therefore, this variant has been classified as Likely Pathogenic. Algorithms developed to predict the effect of sequence changes on RNA splicing suggest that this variant may disrupt the consensus splice site. This variant has been observed in individual(s) with Niemann-Pick disease (PMID: 24718843, 33675270). This variant is present in population databases (no rsID available, gnomAD 0.006%). This sequence change falls in intron 4 of the SMPD1 gene. It does not directly change the encoded amino acid sequence of the SMPD1 protein.

Baylor Genetics
Classification: Likely pathogenic for Niemann-Pick disease, type A. Last evaluated: 2023-06-20. Review status: criteria provided, single submitter. Criteria: ACMG Guidelines, 2015. Collection method: clinical testing. Allele origin: unknown.

Juno Genomics, Hangzhou Juno Genomics, Inc
Classification: Likely pathogenic for Niemann-Pick disease, type A; Niemann-Pick disease, type B. Review status: criteria provided, single submitter. Criteria: ACMG Guidelines, 2015. Collection method: clinical testing. Allele origin: germline.
Comment: Absent from controls (or at extremely low frequency if recessive) in Genome Aggregation Database.;Multiple lines of computational evidence support a deleterious effect on the gene or gene product.;For recessive disorders, detected in trans with a pathogenic variant.;Patient's phenotype or family history is highly specific for a disease with a single genetic etiology.

Literature cited by the submitters: PubMed 24718843 (cited by Natera, Inc. and Labcorp Genetics (formerly Invitae), Labcorp); PubMed 33675270 (cited by Natera, Inc. and Labcorp Genetics (formerly Invitae), Labcorp); PubMed 36687457 (cited by Natera, Inc.); PubMed 38826802 (cited by Natera, Inc.).

NM_000543.5(SMPD1):c.1341-21_1341-18del

Gene: SMPD1 (sphingomyelin phosphodiesterase 1; plus strand). Cytogenetic location: 11p15.4.
Variant type: Deletion.
Coding change: c.1341-21_1341-18del on transcript NM_000543.5 (MANE Select); 21 bases into the intron before coding-DNA position 1341 through 18 bases into the intron before coding-DNA position 1341, 4 bases deleted (AATG; older notation c.1341-21_1341-18delAATG).
Molecular consequence: intron variant.
Genome position (GRCh38, 1-based): chr11:6,393,875-6,393,878, AATG deleted; deleting any 4 consecutive bases within chr11:6,393,873-6,393,878 gives the same sequence; the c. name uses the placement nearest the transcript's 3' end. VCF-style (leftmost placement, unchanged base first): chr11-6393872-CTGAA-C. GRCh37 (hg19) VCF-style: chr11-6415102-CTGAA-C.
Other names: c.420-21_420-18del (NM_001318088.2); c.1209-21_1209-18del (NM_001365135.2); c.1341-21_1341-18del (NM_001318087.2); c.1338-21_1338-18del (NM_001007593.3); c.1341-21_1341-18delAATG (NM_000543.4).
Identifiers: ClinVar variation 2679039 (VCV002679039.8), dbSNP rs1312743513, ClinGen allele CA597438190.